The following is an entry in ClinVar:

ClinVar aggregate classification (germline): Conflicting classifications of pathogenicity. Review status: criteria provided, conflicting classifications (1 of 4 stars). 2 submissions from 2 submitters: Likely pathogenic (1); Uncertain significance (1). Last evaluated 2022-11-21.

Allele frequency attached by ClinVar (database versions not stated): gnomAD exomes below 0.00001; ExAC 0.00001.
gnomAD v4.1: 1 of 1,547,084 alleles (0.000065%); highest among the groups gnomAD compares: South Asian, 0.0011%; no homozygotes.

Submissions (2):

GeneDx
Classification: Likely pathogenic. Last evaluated: 2022-11-21. Review status: criteria provided, single submitter. Criteria: GeneDx Variant Classification Process June 2021. Collection method: clinical testing. Allele origin: germline. Affected: yes.
Comment: Intronic +5 splice site variant in a gene for which loss-of-function is a known mechanism of disease, and splice predictors support a deleterious effect; Not observed at a significant frequency in large population cohorts (gnomAD); Has not been previously published as pathogenic or benign to our knowledge

Labcorp Genetics (formerly Invitae), Labcorp
Classification: Uncertain significance. Last evaluated: 2021-11-10. Review status: criteria provided, single submitter. Criteria: Invitae Variant Classification Sherloc (09022015). Collection method: clinical testing. Allele origin: germline.
Comment: In summary, the available evidence is currently insufficient to determine the role of this variant in disease. Therefore, it has been classified as a Variant of Uncertain Significance. Variants that disrupt the consensus splice site are a relatively common cause of aberrant splicing (PMID: 17576681, 9536098). Algorithms developed to predict the effect of sequence changes on RNA splicing suggest that this variant may disrupt the consensus splice site. This variant has not been reported in the literature in individuals affected with LZTR1-related conditions. The frequency data for this variant in the population databases is considered unreliable, as metrics indicate poor data quality at this position in the gnomAD database. This sequence change falls in intron 7 of the LZTR1 gene. It does not directly change the encoded amino acid sequence of the LZTR1 protein. It affects a nucleotide within the consensus splice site.

Literature cited by the submitters: PubMed 17576681 (cited by Labcorp Genetics (formerly Invitae), Labcorp); PubMed 9536098 (cited by Labcorp Genetics (formerly Invitae), Labcorp).

NM_006767.4(LZTR1):c.651+5G>A

Gene: LZTR1 (leucine zipper like post translational regulator 1; plus strand). Cytogenetic location: 22q11.21.
Variant type: single nucleotide variant.
Coding change: c.651+5G>A on transcript NM_006767.4 (MANE Select); 5 bases into the intron after coding-DNA position 651, G replaced by A.
Molecular consequence: intron variant.
Genome position (GRCh38, 1-based): chr22:20,989,687, G>A. VCF-style: chr22-20989687-G-A. GRCh37 (hg19) VCF-style: chr22-21343976-G-A.
Identifiers: ClinVar variation 1427173 (VCV001427173.7), dbSNP rs766055427, ClinGen allele CA10118536.